The following is an entry in ClinVar:

ClinVar aggregate classification (germline): Pathogenic (1 of 4 stars; one submission).

Submission:

Labcorp Genetics (formerly Invitae), Labcorp
Classification: Pathogenic. Last evaluated: 2019-06-17. Review status: criteria provided, single submitter. Criteria: Invitae Variant Classification Sherloc (09022015). Collection method: clinical testing. Allele origin: unknown.
Comment: This variant is a deletion of the genomic region encompassing 1-7 and part of exon 8 (c.-594_552del) of the GNPTG gene, and includes the initiator codon. The 5' end of this event is unknown as it extends beyond the assayed region for this gene and therefore may encompass additional genes. This is expected to result in an absent or disrupted protein product. This variant has not been reported in the literature in individuals with GNPTG-related conditions. Loss-of-function variants in GNPTG are known to be pathogenic (PMID: 19370764, 20301784). For these reasons, this variant has been classified as Pathogenic.

Literature cited by the submitters: PubMed 19370764; PubMed 20301784.

NC_000016.9:g.(?_1401373)_(1412477_?)del

Genes: GNPTG (N-acetylglucosamine-1-phosphate transferase subunit gamma; plus strand), TSR3 (TSR3 ribosome maturation factor; minus strand). Cytogenetic location: 16p13.3.
Variant type: Deletion.
Identifiers: ClinVar variation 3243667 (VCV003243667.1).